The following is an entry in ClinVar:

ClinVar aggregate classification (germline): Uncertain significance. Review status: criteria provided, multiple submitters, no conflicts (2 of 4 stars). 3 submissions from 3 submitters: Uncertain significance (3). Last evaluated 2025-12-11.

Conditions:
POLD1-related polyposis and colorectal cancer syndrome (CRCS10). Also called: Colorectal cancer, susceptibility to, 10; Colorectal cancer 10; COLORECTAL CANCER, SUSCEPTIBILITY TO, ON CHROMOSOME 19q. Identifiers: Orphanet 220460, MedGen C2675481, MONDO:0012953, OMIM 612591.
Hereditary cancer-predisposing syndrome. Also called: Hereditary neoplastic syndrome; Tumor predisposition; Hereditary Cancer Syndrome; Neoplastic Syndromes, Hereditary. Identifiers: Orphanet 140162, MedGen C0027672, MeSH D009386, MONDO:0015356.

Allele frequency attached by ClinVar (database versions not stated): gnomAD exomes below 0.00001; TOPMed 0.00003.

Submissions (3):

Ambry Genetics
Classification: Uncertain significance for Hereditary cancer-predisposing syndrome. Last evaluated: 2025-12-11. Review status: criteria provided, single submitter. Criteria: Ambry Variant Classification Scheme 2023. Collection method: clinical testing. Allele origin: germline.

Labcorp Genetics (formerly Invitae), Labcorp
Classification: Uncertain significance for POLD1-related polyposis and colorectal cancer syndrome. Last evaluated: 2025-04-23. Review status: criteria provided, single submitter. Criteria: Invitae Variant Classification Sherloc (09022015). Collection method: clinical testing. Allele origin: germline.
Comment: This sequence change replaces arginine, which is basic and polar, with cysteine, which is neutral and slightly polar, at codon 683 of the POLD1 protein (p.Arg683Cys). This variant is not present in population databases (gnomAD no frequency). This variant has not been reported in the literature in individuals affected with POLD1-related conditions. ClinVar contains an entry for this variant (Variation ID: 642816). Invitae Evidence Modeling of protein sequence and biophysical properties (such as structural, functional, and spatial information, amino acid conservation, physicochemical variation, residue mobility, and thermodynamic stability) indicates that this missense variant is not expected to disrupt POLD1 protein function with a negative predictive value of 80%. In summary, the available evidence is currently insufficient to determine the role of this variant in disease. Therefore, it has been classified as a Variant of Uncertain Significance.

GeneDx
Classification: Uncertain significance. Last evaluated: 2024-03-27. Review status: criteria provided, single submitter. Criteria: GeneDx Variant Classification Process June 2021. Collection method: clinical testing. Allele origin: germline. Affected: yes.
Comment: Not observed at significant frequency in large population cohorts (gnomAD); In silico analysis supports that this missense variant has a deleterious effect on protein structure/function; Has not been previously published as pathogenic or benign to our knowledge; This variant is associated with the following publications: (PMID: 20951805)

NM_002691.4(POLD1):c.2047C>T (p.Arg683Cys)

Gene: POLD1 (DNA polymerase delta 1, catalytic subunit; plus strand). Cytogenetic location: 19q13.33.
Variant type: single nucleotide variant.
Coding change: c.2047C>T on transcript NM_002691.4 (MANE Select); coding-DNA position 2047, C replaced by T.
Protein change: p.Arg683Cys; replaces arginine 683 with cysteine.
Molecular consequence: missense variant. On other transcripts: non-coding transcript variant (1).
Genome position (GRCh38, 1-based): chr19:50,409,559, C>T. VCF-style: chr19-50409559-C-T. GRCh37 (hg19) VCF-style: chr19-50912816-C-T.
Other names: c.2047C>T, p.Arg683Cys (NM_001256849.1); c.2125C>T, p.Arg709Cys (NM_001308632.1); c.2047C>T (NM_002691.2); short protein forms R683C, R709C.
Identifiers: ClinVar variation 642816 (VCV000642816.13), dbSNP rs763446793, ClinGen allele CA309602105.
Genomic context (GRCh38, chr19:50,409,559, plus strand): 5'-TTCCCCGTGTTCCCTCGCAGGGCCAAGGCCGAGCTGGCCAAGGAGACAGACCCCCTCCGG[C>T]GCCAGGTCCTGGATGGACGGCAGCTGGCGCTGAAGGTGAGCGCCAACTCCGTATACGGCT-3'
Protein context (NP_002682.2, residues 673-693): ELAKETDPLR[Arg683Cys]QVLDGRQLAL